The following is an entry in ClinVar:

ClinVar aggregate classification (germline): Uncertain significance (1 of 4 stars; one submission).

gnomAD v4.1: 1 of 1,614,120 alleles (0.000062%); no homozygotes.

Submission:

Labcorp Genetics (formerly Invitae), Labcorp
Classification: Uncertain significance. Last evaluated: 2022-07-28. Review status: criteria provided, single submitter. Criteria: Invitae Variant Classification Sherloc (09022015). Collection method: clinical testing. Allele origin: germline.
Comment: In summary, the available evidence is currently insufficient to determine the role of this variant in disease. Therefore, it has been classified as a Variant of Uncertain Significance. Algorithms developed to predict the effect of missense changes on protein structure and function are either unavailable or do not agree on the potential impact of this missense change (SIFT: "Deleterious"; PolyPhen-2: "Benign"; Align-GVGD: "Class C0"). This variant has not been reported in the literature in individuals affected with SLC9A1-related conditions. This variant is not present in population databases (gnomAD no frequency). This sequence change replaces glycine, which is neutral and non-polar, with arginine, which is basic and polar, at codon 743 of the SLC9A1 protein (p.Gly743Arg).

NM_003047.5(SLC9A1):c.2227G>C (p.Gly743Arg)

Gene: SLC9A1 (solute carrier family 9 member A1; minus strand). Cytogenetic location: 1p36.11.
Variant type: single nucleotide variant.
Coding change: c.2227G>C on transcript NM_003047.5 (MANE Select); coding-DNA position 2227, G replaced by C.
Protein change: p.Gly743Arg; replaces glycine 743 with arginine.
Molecular consequence: missense variant. On other transcripts: non-coding transcript variant (1).
Genome position (GRCh38, 1-based): chr1:27,100,528, C>G on the plus strand (G>C on the coding strand, the complement: SLC9A1 is on the minus strand). VCF-style: chr1-27100528-C-G. GRCh37 (hg19) VCF-style: chr1-27427019-C-G.
Other names: short protein forms G743R.
Identifiers: ClinVar variation 1998727 (VCV001998727.4), dbSNP rs2523096403, ClinGen allele CA339177338.